The following is an entry in ClinVar:

NM_020320.5(RARS2):c.839T>G (p.Leu280Ter)

Gene: RARS2 (arginyl-tRNA synthetase 2, mitochondrial; minus strand). Cytogenetic location: 6q15.
Variant type: single nucleotide variant.
Coding change: c.839T>G on transcript NM_020320.5 (MANE Select); coding-DNA position 839, T replaced by G.
Protein change: p.Leu280Ter; replaces leucine 280 with a stop codon.
Molecular consequence: nonsense. On other transcripts: non-coding transcript variant (23).
Genome position (GRCh38, 1-based): chr6:87,529,581, A>C on the plus strand (T>G on the coding strand, the complement: RARS2 is on the minus strand). VCF-style: chr6-87529581-A-C. GRCh37 (hg19) VCF-style: chr6-88239299-A-C.
Other names: c.839T>G (NM_020320.4); c.314T>G, p.Leu105Ter (NM_001318785.2, NM_001350506.2, NM_001350507.2 and 4 more transcripts); c.839T>G, p.Leu280Ter (NM_001350505.2); short protein forms L280*, L105*.
Identifiers: ClinVar variation 858420 (VCV000858420.11), dbSNP rs1256144022, ClinGen allele CA364928636.
Genomic context (GRCh38, chr6:87,529,581, plus strand): 5'-AGAATAGTAACCTGATCATACATTGTTTTCAGTAGGAGTCCTTTACTCTCCAGCAACTTT[A>C]AGACCTCTTGAGATTTTTCACGATAAAATGATTCTCCTGAATATTCATCAAAATATACTC-3'

ClinVar aggregate classification (germline): Pathogenic/Likely pathogenic. Review status: criteria provided, multiple submitters, no conflicts (2 of 4 stars). 4 submissions from 4 submitters: Pathogenic (1); Likely pathogenic (3). Last evaluated 2026-01-20.

Conditions:
Pontocerebellar hypoplasia type 6 (PCH6). Identifiers: Orphanet 166073, MedGen C1969084, MONDO:0012683, OMIM 611523.

Allele frequency attached by ClinVar (database versions not stated): gnomAD exomes below 0.00001.
gnomAD v4.1: 6 of 1,607,660 alleles (0.00037%); highest among the groups gnomAD compares: East Asian, 0.0089%; no homozygotes.

Submissions (4):

Natera, Inc.
Classification: Likely pathogenic for Pontocerebellar hypoplasia, type 6. Last evaluated: 2026-01-20. Review status: criteria provided, single submitter. Criteria: Natera Variant Classification Schema (03/2026). Collection method: clinical testing. Allele origin: germline.
Comment: The c.839T>G variant in RARS2 is a nonsense variant predicted to introduce a stop codon at amino acid 280. This variant is expected to result in nonsense mediated decay, truncation, or a dysfunctional protein product. This variant is rare in the general population with a frequency below the threshold expected for the associated phenotype(s). Given the available evidence, this variant is classified as Likely Pathogenic.

Fulgent Genetics
Classification: Likely pathogenic for Pontocerebellar hypoplasia type 6. Last evaluated: 2024-04-26. Review status: criteria provided, single submitter. Criteria: ACMG Guidelines, 2015. Collection method: clinical testing. Allele origin: germline.

Baylor Genetics
Classification: Likely pathogenic for Pontocerebellar hypoplasia type 6. Last evaluated: 2024-01-27. Review status: criteria provided, single submitter. Criteria: ACMG Guidelines, 2015. Collection method: clinical testing. Allele origin: unknown.

Labcorp Genetics (formerly Invitae), Labcorp
Classification: Pathogenic. Last evaluated: 2023-10-29. Review status: criteria provided, single submitter. Criteria: Invitae Variant Classification Sherloc (09022015). Collection method: clinical testing. Allele origin: germline.
Comment: This sequence change creates a premature translational stop signal (p.Leu280*) in the RARS2 gene. It is expected to result in an absent or disrupted protein product. Loss-of-function variants in RARS2 are known to be pathogenic (PMID: 17847012, 22569581, 26083569). This variant is present in population databases (no rsID available, gnomAD 0.006%). This variant has not been reported in the literature in individuals affected with RARS2-related conditions. ClinVar contains an entry for this variant (Variation ID: 858420). For these reasons, this variant has been classified as Pathogenic.

Literature cited by the submitters: PubMed 17847012 (cited by Labcorp Genetics (formerly Invitae), Labcorp); PubMed 22569581 (cited by Labcorp Genetics (formerly Invitae), Labcorp); PubMed 26083569 (cited by Labcorp Genetics (formerly Invitae), Labcorp).